The following is an entry in ClinVar:

NM_006949.4(STXBP2):c.1538+10C>T

Gene: STXBP2 (syntaxin binding protein 2; plus strand). Cytogenetic location: 19p13.2.
Variant type: single nucleotide variant.
Coding change: c.1538+10C>T on transcript NM_006949.4 (MANE Select); 10 bases into the intron after coding-DNA position 1538, C replaced by T.
Molecular consequence: intron variant.
Genome position (GRCh38, 1-based): chr19:7,647,257, C>T. VCF-style: chr19-7647257-C-T. GRCh37 (hg19) VCF-style: chr19-7712143-C-T.
Other names: p.?; c.1571+10C>T (NM_001272034.2); c.1529+10C>T (NM_001127396.3).
Identifiers: ClinVar variation 260090 (VCV000260090.26), dbSNP rs139200597, ClinGen allele CA9144225.

ClinVar aggregate classification (germline): Benign/Likely benign. Review status: criteria provided, multiple submitters, no conflicts (2 of 4 stars). 9 submissions from 9 submitters: Benign (2); Likely benign (5). 2 of the submissions do not count toward it. Last evaluated 2026-02-03.

Conditions:
Familial hemophagocytic lymphohistiocytosis 5. Also called: STXBP2-Related Familial Hemophagocytic Lymphohistiocytosis (STXBP2-fHLH). Identifiers: Orphanet 540, MedGen C2751293, MONDO:0013135, OMIM 613101.

Allele frequency attached by ClinVar (database versions not stated): 1000 Genomes Project 0.00120; 1000 Genomes Project 30x 0.00156; ESP Exome Variant Server 0.00156; TOPMed 0.00208; gnomAD 0.00210 and 0.00220.
gnomAD v4.1: 5,273 of 1,610,392 alleles (0.33%); highest among the groups gnomAD compares: Non-Finnish European, 0.4%; 11 homozygotes.

Submissions (9):

Labcorp Genetics (formerly Invitae), Labcorp
Classification: Benign for Familial hemophagocytic lymphohistiocytosis 5. Last evaluated: 2026-02-03. Review status: criteria provided, single submitter. Criteria: Invitae Variant Classification Sherloc (09022015). Collection method: clinical testing. Allele origin: germline.

Blueprint Genetics
Classification: Likely benign. Last evaluated: 2024-11-28. Review status: criteria provided, single submitter. Criteria: ACMG Guidelines, 2015. Collection method: clinical testing. Allele origin: germline.

Women's Health and Genetics/Laboratory Corporation of America, LabCorp
Classification: Likely benign. Last evaluated: 2024-06-17. Review status: criteria provided, single submitter. Criteria: LabCorp Variant Classification Summary - May 2015. Collection method: clinical testing. Allele origin: germline.

Mayo Clinic Laboratories, Mayo Clinic
Classification: Benign. Last evaluated: 2023-09-22. Review status: criteria provided, single submitter. Criteria: ACMG Guidelines, 2015. Collection method: clinical testing. Allele origin: germline. Observed: 12 variant alleles.
Comment: BS1, BS2

Genetic Services Laboratory, University of Chicago
Classification: Likely benign. Last evaluated: 2021-04-16. Review status: criteria provided, single submitter. Criteria: ACMG Guidelines, 2015. Collection method: clinical testing. Allele origin: germline. Affected: no.

Eurofins Ntd Llc (ga)
Classification: Likely benign. Last evaluated: 2016-03-31. Review status: criteria provided, single submitter. Criteria: EGL Classification Definitions 2015. Collection method: clinical testing. Allele origin: germline. Observed: 1 variant allele, 1 heterozygote.

PreventionGenetics, part of Exact Sciences
Classification: Likely benign. Review status: criteria provided, single submitter. Criteria: ACMG Guidelines, 2015. Collection method: clinical testing. Allele origin: germline.

Clinical Genetics DNA and cytogenetics Diagnostics Lab, Erasmus MC, Erasmus Medical Center
Classification: Likely benign. Review status: no assertion criteria provided. Collection method: clinical testing. Allele origin: germline. Affected: yes. Study: VKGL Data-share Consensus. Not counted in ClinVar's aggregate classification.

Genome Diagnostics Laboratory, University Medical Center Utrecht
Classification: Likely benign. Review status: no assertion criteria provided. Collection method: clinical testing. Allele origin: germline. Affected: yes. Study: VKGL Data-share Consensus. Not counted in ClinVar's aggregate classification.